The following is an entry in ClinVar:

ClinVar aggregate classification (germline): Uncertain significance. Review status: criteria provided, multiple submitters, no conflicts (2 of 4 stars). 3 submissions from 3 submitters: Uncertain significance (3). Last evaluated 2024-11-24.

Conditions:
Adenylosuccinate lyase deficiency (ADSLD). Also called: ADSL DEFICIENCY. Identifiers: Orphanet 46, MedGen C0268126, MONDO:0007068, OMIM 103050.

Allele frequency attached by ClinVar (database versions not stated): gnomAD exomes 0.00002; TOPMed 0.00002; ExAC 0.00003; gnomAD 0.00003 and 0.00004.
gnomAD v4.1: 34 of 1,613,628 alleles (0.0021%); highest among the groups gnomAD compares: South Asian, 0.0099%; no homozygotes.

Submissions (3):

Labcorp Genetics (formerly Invitae), Labcorp
Classification: Uncertain significance for Adenylosuccinate lyase deficiency. Last evaluated: 2024-11-24. Review status: criteria provided, single submitter. Criteria: Invitae Variant Classification Sherloc (09022015). Collection method: clinical testing. Allele origin: germline.
Comment: This sequence change replaces arginine, which is basic and polar, with histidine, which is basic and polar, at codon 452 of the ADSL protein (p.Arg452His). This variant is present in population databases (rs775671027, gnomAD 0.006%). This variant has not been reported in the literature in individuals affected with ADSL-related conditions. ClinVar contains an entry for this variant (Variation ID: 529215). Invitae Evidence Modeling of protein sequence and biophysical properties (such as structural, functional, and spatial information, amino acid conservation, physicochemical variation, residue mobility, and thermodynamic stability) indicates that this missense variant is expected to disrupt ADSL protein function with a positive predictive value of 80%. In summary, the available evidence is currently insufficient to determine the role of this variant in disease. Therefore, it has been classified as a Variant of Uncertain Significance.

Blueprint Genetics
Classification: Uncertain significance. Last evaluated: 2024-03-26. Review status: criteria provided, single submitter. Criteria: ACMG Guidelines, 2015. Collection method: clinical testing. Allele origin: germline.

New York Genome Center
Classification: Uncertain significance for Adenylosuccinate lyase deficiency. Last evaluated: 2021-03-05. Review status: criteria provided, single submitter. Criteria: NYGC Assertion Criteria 2020. Collection method: clinical testing. Allele origin: inherited. Observed: 1 compound heterozygote. Study: CSER-NYCKidSeq.
Comment: The inherited c.1355G>A (p.Arg452His) variant identified in the ADSL gene substitutes a well conserved Arginine for Histidine at amino acid 452/485 (exon 12/13). This variant is found with low frequency in gnomAD(v3.1) (6 heterozygotes, 0 homozygotes; allele frequency: 3.95e-5) suggesting it is not a common benign variant in the populations represented in that database. In silico algorithms predict this variant to be Damaging (SIFT; score: 0.022) and Pathogenic (REVEL; score:0.822) to the function of the canonical transcript. This variant is reported in ClinVar as a Variant of Uncertain Significance (VarID:529215), and to our current knowledge has not been reported in affected individuals in the literature although a different amino acid change at the same position has been reported in a pair of affected siblings [p.Arg452Pro; PMID:12368987]. The inherited c.1355G>A (p.Arg452His) variant identified in the ADSL gene is reported as a Variant of Uncertain Significance.

NM_000026.4(ADSL):c.1355G>A (p.Arg452His)

Gene: ADSL (adenylosuccinate lyase; plus strand). Cytogenetic location: 22q13.1.
Variant type: single nucleotide variant.
Coding change: c.1355G>A on transcript NM_000026.4 (MANE Select); coding-DNA position 1355, G replaced by A.
Protein change: p.Arg452His; replaces arginine 452 with histidine.
Molecular consequence: missense variant. On other transcripts: non-coding transcript variant (1), intron variant (1).
Genome position (GRCh38, 1-based): chr22:40,365,043, G>A. VCF-style: chr22-40365043-G-A. GRCh37 (hg19) VCF-style: chr22-40761047-G-A.
Other names: c.1163G>A, p.Arg388His (NM_001317923.2); c.1355G>A, p.Arg452His (NM_001363840.3); c.1191+678G>A (NM_001123378.3); short protein forms R452H, R388H.
Identifiers: ClinVar variation 529215 (VCV000529215.9), dbSNP rs775671027, ClinGen allele CA10247984.